The following is an entry in ClinVar:

ClinVar aggregate classification (germline): Uncertain significance (1 of 4 stars; one submission).

gnomAD v4.1: 1 of 1,613,770 alleles (0.000062%); highest among the groups gnomAD compares: Admixed American, 0.0017%; no homozygotes.

Submission:

GeneDx
Classification: Uncertain significance. Last evaluated: 2023-01-03. Review status: criteria provided, single submitter. Criteria: GeneDx Variant Classification Process June 2021. Collection method: clinical testing. Allele origin: germline. Affected: yes.
Comment: Not observed at significant frequency in large population cohorts (gnomAD); In silico analysis supports that this missense variant does not alter protein structure/function; Has not been previously published as pathogenic or benign to our knowledge

NM_020461.4(TUBGCP6):c.2425G>A (p.Val809Met)

Gene: TUBGCP6 (tubulin gamma complex component 6; minus strand). Cytogenetic location: 22q13.33.
Variant type: single nucleotide variant.
Coding change: c.2425G>A on transcript NM_020461.4 (MANE Select); coding-DNA position 2425, G replaced by A.
Protein change: p.Val809Met; replaces valine 809 with methionine.
Molecular consequence: missense variant.
Genome position (GRCh38, 1-based): chr22:50,222,087, C>T on the plus strand (G>A on the coding strand, the complement: TUBGCP6 is on the minus strand). VCF-style: chr22-50222087-C-T. GRCh37 (hg19) VCF-style: chr22-50660516-C-T.
Other names: short protein forms V809M.
Identifiers: ClinVar variation 2507320 (VCV002507320.1), dbSNP rs770840511, ClinGen allele CA412098858.
Genomic context (GRCh38, chr22:50,222,087, plus strand): 5'-CCTGGGGGTGCACGCTCAAGAGGACGTCTGGCGGCTCCTGGGGCTGGTGAGCCTCAGACA[C>T]TGCTTTCAGCATCTCCTGAAATTCAAGCCAGAGGGGTGACTGGCCAAGCCGGAGTCAAGC-3'
Protein context (NP_065194.3, residues 799-819): EKHIQEMLKA[Val809Met]SEAHQPQEPP